The following is an entry in ClinVar:

ClinVar aggregate classification (germline): Uncertain significance (1 of 4 stars; one submission).

Submission:

Labcorp Genetics (formerly Invitae), Labcorp
Classification: Uncertain significance. Last evaluated: 2025-11-18. Review status: criteria provided, single submitter. Criteria: Invitae Variant Classification Sherloc (09022015). Collection method: clinical testing. Allele origin: germline.
Comment: This sequence change replaces leucine, which is neutral and non-polar, with phenylalanine, which is neutral and non-polar, at codon 12 of the THPO protein (p.Leu12Phe). This variant is not present in population databases (gnomAD no frequency). This variant has not been reported in the literature in individuals affected with THPO-related conditions. Invitae Evidence Modeling of protein sequence and biophysical properties (such as structural, functional, and spatial information, amino acid conservation, physicochemical variation, residue mobility, and thermodynamic stability) indicates that this missense variant is not expected to disrupt THPO protein function with a negative predictive value of 80%. In summary, the available evidence is currently insufficient to determine the role of this variant in disease. Therefore, it has been classified as a Variant of Uncertain Significance.

NM_000460.4(THPO):c.34C>T (p.Leu12Phe)

Gene: THPO (thrombopoietin; minus strand). Cytogenetic location: 3q27.1.
Variant type: single nucleotide variant.
Coding change: c.34C>T on transcript NM_000460.4 (MANE Select); coding-DNA position 34, C replaced by T.
Protein change: p.Leu12Phe; replaces leucine 12 with phenylalanine.
Molecular consequence: missense variant.
Genome position (GRCh38, 1-based): chr3:184,375,995, G>A on the plus strand (C>T on the coding strand, the complement: THPO is on the minus strand). VCF-style: chr3-184375995-G-A. GRCh37 (hg19) VCF-style: chr3-184093783-G-A.
Other names: c.34C>T, p.Leu12Phe (NM_001177597.2, NM_001177598.2, NM_001289997.1 and 5 more transcripts); c.454C>T, p.Leu152Phe (NM_001290003.1); short protein forms L12F, L152F.
Identifiers: ClinVar variation 4808554 (VCV004808554.1).